The following is an entry in ClinVar:

NM_001184880.2(PCDH19):c.330G>A (p.Met110Ile)

Gene: PCDH19 (protocadherin 19; minus strand). Cytogenetic location: Xq22.1.
Variant type: single nucleotide variant.
Coding change: c.330G>A on transcript NM_001184880.2 (MANE Select); coding-DNA position 330, G replaced by A.
Protein change: p.Met110Ile; replaces methionine 110 with isoleucine.
Molecular consequence: missense variant.
Genome position (GRCh38, 1-based): chrX:100,408,268, C>T on the plus strand (G>A on the coding strand, the complement: PCDH19 is on the minus strand). VCF-style: chrX-100408268-C-T. GRCh37 (hg19) VCF-style: chrX-99663266-C-T.
Other names: c.330G>A, p.Met110Ile (NM_001105243.2, NM_020766.3); short protein forms M110I.
Identifiers: ClinVar variation 2853342 (VCV002853342.3), dbSNP rs2520995713, ClinGen allele CA414010602.

ClinVar aggregate classification (germline): Uncertain significance (1 of 4 stars; one submission).

Conditions:
Developmental and epileptic encephalopathy, 9 (DEE9). Also called: JUBERG-HELLMAN SYNDROME; PCDH19-Related X-Linked Female-Limited Epilepsy with Mental Retardation; Early infantile epileptic encephalopathy 9; EPILEPSY, FEMALE-RESTRICTED, WITH MENTAL RETARDATION. Identifiers: Orphanet 101039, Orphanet 2076, MedGen C1848137, MONDO:0010246, OMIM 300088. Disease mechanism: loss of function.

Submission:

Labcorp Genetics (formerly Invitae), Labcorp
Classification: Uncertain significance for Developmental and epileptic encephalopathy, 9. Last evaluated: 2025-05-27. Review status: criteria provided, single submitter. Criteria: Invitae Variant Classification Sherloc (09022015). Collection method: clinical testing. Allele origin: germline.
Comment: This sequence change replaces methionine, which is neutral and non-polar, with isoleucine, which is neutral and non-polar, at codon 110 of the PCDH19 protein (p.Met110Ile). This variant is not present in population databases (gnomAD no frequency). This variant has not been reported in the literature in individuals affected with PCDH19-related conditions. ClinVar contains an entry for this variant (Variation ID: 2853342). Invitae Evidence Modeling of protein sequence and biophysical properties (such as structural, functional, and spatial information, amino acid conservation, physicochemical variation, residue mobility, and thermodynamic stability) indicates that this missense variant is not expected to disrupt PCDH19 protein function with a negative predictive value of 95%. In summary, the available evidence is currently insufficient to determine the role of this variant in disease. Therefore, it has been classified as a Variant of Uncertain Significance.